The following is an entry in ClinVar:

ClinVar aggregate classification (germline): Uncertain significance (1 of 4 stars; one submission).

gnomAD v4.1: 1 of 1,610,512 alleles (0.000062%); highest among the groups gnomAD compares: Admixed American, 0.0017%; no homozygotes.

Submission:

GeneDx
Classification: Uncertain significance. Last evaluated: 2026-02-21. Review status: criteria provided, single submitter. Criteria: GeneDx Variant Classification Process June 2021. Collection method: clinical testing. Allele origin: germline.
Comment: Not observed at significant frequency in large population cohorts (gnomAD); In silico analysis supports that this missense variant has a deleterious effect on protein structure/function; Has not been previously published as pathogenic or benign to our knowledge

NM_022168.4(IFIH1):c.1888T>C (p.Tyr630His)

Gene: IFIH1 (interferon induced with helicase C domain 1; minus strand). Cytogenetic location: 2q24.2.
Variant type: single nucleotide variant.
Coding change: c.1888T>C on transcript NM_022168.4 (MANE Select); coding-DNA position 1888, T replaced by C.
Protein change: p.Tyr630His; replaces tyrosine 630 with histidine.
Molecular consequence: missense variant.
Genome position (GRCh38, 1-based): chr2:162,277,571, A>G on the plus strand (T>C on the coding strand, the complement: IFIH1 is on the minus strand). VCF-style: chr2-162277571-A-G. GRCh37 (hg19) VCF-style: chr2-163134081-A-G.
Other names: short protein forms Y630H.
Identifiers: ClinVar variation 5009941 (VCV005009941.1).